The following is an entry in ClinVar:

NM_001261826.3(AP3D1):c.1867C>A (p.Leu623Met)

Gene: AP3D1 (adaptor related protein complex 3 subunit delta 1; minus strand). Cytogenetic location: 19p13.3.
Variant type: single nucleotide variant.
Coding change: c.1867C>A on transcript NM_001261826.3 (MANE Select); coding-DNA position 1867, C replaced by A.
Protein change: p.Leu623Met; replaces leucine 623 with methionine.
Molecular consequence: missense variant.
Genome position (GRCh38, 1-based): chr19:2,116,739, G>T on the plus strand (C>A on the coding strand, the complement: AP3D1 is on the minus strand). VCF-style: chr19-2116739-G-T. GRCh37 (hg19) VCF-style: chr19-2116738-G-T.
Other names: c.1867C>A, p.Leu623Met (NM_001374799.1, NM_003938.8); short protein forms L623M.
Identifiers: ClinVar variation 2860697 (VCV002860697.3), dbSNP rs780045016, ClinGen allele CA9059144.

ClinVar aggregate classification (germline): Uncertain significance (1 of 4 stars; one submission).

Allele frequency attached by ClinVar (database versions not stated): TOPMed below 0.00001; ExAC 0.00001; gnomAD 0.00001.
gnomAD v4.1: 1 of 1,609,762 alleles (0.000062%); highest among the groups gnomAD compares: African/African-American, 0.0013%; no homozygotes.

Submission:

Labcorp Genetics (formerly Invitae), Labcorp
Classification: Uncertain significance. Last evaluated: 2023-04-30. Review status: criteria provided, single submitter. Criteria: Invitae Variant Classification Sherloc (09022015). Collection method: clinical testing. Allele origin: germline.
Comment: This sequence change replaces leucine, which is neutral and non-polar, with methionine, which is neutral and non-polar, at codon 623 of the AP3D1 protein (p.Leu623Met). In summary, the available evidence is currently insufficient to determine the role of this variant in disease. Therefore, it has been classified as a Variant of Uncertain Significance. An algorithm developed to predict the effect of missense changes on protein structure and function (PolyPhen-2) suggests that this variant is likely to be disruptive. This variant has not been reported in the literature in individuals affected with AP3D1-related conditions. This variant is present in population databases (rs780045016, gnomAD 0.007%).